The following is an entry in ClinVar:

ClinVar aggregate classification (germline): Uncertain significance (1 of 4 stars; one submission).

Conditions:
Imerslund-Grasbeck syndrome. Also called: ENTEROCYTE COBALAMIN MALABSORPTION; ENTEROCYTE INTRINSIC FACTOR RECEPTOR, DEFECT OF; PERNICIOUS ANEMIA, JUVENILE, DUE TO SELECTIVE INTESTINAL MALABSORPTION OF VITAMIN B12, WITH PROTEINURIA; Megaloblastic anemia due to inborn errors of metabolism; Imerslund-Gräsbeck syndrome. Identifiers: Orphanet 35858, MedGen C4551825, MONDO:0009853.

Allele frequency attached by ClinVar (database versions not stated): gnomAD exomes 0.00001; gnomAD 0.00003; TOPMed 0.00006; ESP Exome Variant Server 0.00015.

Submission:

Labcorp Genetics (formerly Invitae), Labcorp
Classification: Uncertain significance for Imerslund-Grasbeck syndrome. Last evaluated: 2019-07-01. Review status: criteria provided, single submitter. Criteria: Invitae Variant Classification Sherloc (09022015). Collection method: clinical testing. Allele origin: germline.
Comment: This sequence change replaces methionine with threonine at codon 1574 of the CUBN protein (p.Met1574Thr). The methionine residue is weakly conserved and there is a moderate physicochemical difference between methionine and threonine. This variant is not present in population databases (ExAC no frequency). This variant has not been reported in the literature in individuals with CUBN-related conditions. Algorithms developed to predict the effect of missense changes on protein structure and function output the following: SIFT: "Tolerated"; PolyPhen-2: "Benign"; Align-GVGD: "Class C0". The threonine amino acid residue is found in multiple mammalian species, suggesting that this missense change does not adversely affect protein function. These predictions have not been confirmed by published functional studies and their clinical significance is uncertain. In summary, the available evidence is currently insufficient to determine the role of this variant in disease. Therefore, it has been classified as a Variant of Uncertain Significance.

NM_001081.4(CUBN):c.4721T>C (p.Met1574Thr)

Gene: CUBN (cubilin; minus strand). Cytogenetic location: 10p13.
Variant type: single nucleotide variant.
Coding change: c.4721T>C on transcript NM_001081.4 (MANE Select); coding-DNA position 4721, T replaced by C.
Protein change: p.Met1574Thr; replaces methionine 1574 with threonine.
Molecular consequence: missense variant.
Genome position (GRCh38, 1-based): chr10:16,954,523, A>G on the plus strand (T>C on the coding strand, the complement: CUBN is on the minus strand). VCF-style: chr10-16954523-A-G. GRCh37 (hg19) VCF-style: chr10-16996522-A-G.
Other names: short protein forms M1574T.
Identifiers: ClinVar variation 948878 (VCV000948878.10), dbSNP rs144132364, ClinGen allele CA203549275.
Genomic context (GRCh38, chr10:16,954,523, plus strand): 5'-CCTGAGGAGACGATGGGGTTAGCCAGCTGCTCCCTTCCACACGTCCTGGCAAGGCGGGAC[A>G]TTGTGGAGCTTAAGCCATCGTATGCCTACAAGAAAGGAGACAGGGCAAACAGTGGTTCAG-3'
Protein context (NP_001072.2, residues 1564-1584): IMAYDGLSST[Met1574Thr]SRLARTCGRE